The following is an entry in ClinVar:

NM_177924.5(ASAH1):c.582C>A (p.Asn194Lys)

Gene: ASAH1 (N-acylsphingosine amidohydrolase 1; minus strand). Cytogenetic location: 8p22.
Variant type: single nucleotide variant.
Coding change: c.582C>A on transcript NM_177924.5 (MANE Select); coding-DNA position 582, C replaced by A.
Protein change: p.Asn194Lys; replaces asparagine 194 with lysine.
Molecular consequence: missense variant.
Genome position (GRCh38, 1-based): chr8:18,062,345, G>T on the plus strand (C>A on the coding strand, the complement: ASAH1 is on the minus strand). VCF-style: chr8-18062345-G-T. GRCh37 (hg19) VCF-style: chr8-17919854-G-T.
Other names: c.564C>A, p.Asn188Lys (NM_001127505.3); c.387C>A, p.Asn129Lys (NM_001363743.2); c.630C>A, p.Asn210Lys (NM_004315.6); short protein forms N210K, N129K, N194K, N188K.
Identifiers: ClinVar variation 1408963 (VCV001408963.5), dbSNP rs199909023, ClinGen allele CA4650778.

ClinVar aggregate classification (germline): Uncertain significance (1 of 4 stars; one submission).

Allele frequency attached by ClinVar (database versions not stated): TOPMed below 0.00001; gnomAD 0.00001 and 0.00005; ExAC 0.00005; gnomAD exomes 0.00009.
gnomAD v4.1: 72 of 1,614,030 alleles (0.0045%); highest among the groups gnomAD compares: South Asian, 0.071%; 1 homozygote.

Submission:

Labcorp Genetics (formerly Invitae), Labcorp
Classification: Uncertain significance. Last evaluated: 2022-08-23. Review status: criteria provided, single submitter. Criteria: Invitae Variant Classification Sherloc (09022015). Collection method: clinical testing. Allele origin: germline.
Comment: This sequence change replaces asparagine, which is neutral and polar, with lysine, which is basic and polar, at codon 194 of the ASAH1 protein (p.Asn194Lys). This variant is present in population databases (rs199909023, gnomAD 0.07%). This variant has not been reported in the literature in individuals affected with ASAH1-related conditions. ClinVar contains an entry for this variant (Variation ID: 1408963). Algorithms developed to predict the effect of missense changes on protein structure and function are either unavailable or do not agree on the potential impact of this missense change (SIFT: "Deleterious"; PolyPhen-2: "Benign"; Align-GVGD: "Class C65"). In summary, the available evidence is currently insufficient to determine the role of this variant in disease. Therefore, it has been classified as a Variant of Uncertain Significance.